The following is an entry in ClinVar:

ClinVar aggregate classification (germline): Uncertain significance. Review status: criteria provided, single submitter (1 of 4 stars). 2 submissions from 2 submitters: Uncertain significance (1). 1 of the submissions does not count toward it. Last evaluated 2019-03-04.

Conditions:
Intellectual disability, autosomal dominant 14 (CSS2). Also called: COFFIN-SIRIS SYNDROME 2. Identifiers: Orphanet 1465, MedGen C3553247, MONDO:0013819, OMIM 614607.

Submissions (2):

Centre for Mendelian Genomics, University Medical Centre Ljubljana
Classification: Uncertain significance for Intellectual disability, autosomal dominant 14. Last evaluated: 2019-03-04. Review status: criteria provided, single submitter. Criteria: ACMG Guidelines, 2015. Collection method: clinical testing. Allele origin: unknown. Affected: yes.
Comment: This variant was classified as: Uncertain significance. The available evidence favors the pathogenic nature of this variant, however the currently available data is insufficient to conclusively support its pathogenic nature. Thus this variant is classified as Uncertain significance - favor pathogenic. The following ACMG criteria were applied in classifying this variant: PM2,PM6,BP3.

Solve-RD Consortium
Classification: Likely pathogenic for Intellectual disability, autosomal dominant 14. Last evaluated: 2022-06-01. Review status: no assertion criteria provided. Collection method: provider interpretation. Allele origin: inherited. Affected: yes. Not counted in ClinVar's aggregate classification.
Comment: Variant confirmed as disease-causing by referring clinical team

Variant identified during reanalysis of unsolved cases by the Solve-RD project. The Solve-RD project has received funding from the European Union’s Horizon 2020 research and innovation programme under grant agreement No 779257.

Literature cited by the submitters: PubMed 39825153 (cited by Solve-RD Consortium).

NM_006015.6(ARID1A):c.6099GGA[2] (p.Glu2036del)

Gene: ARID1A (AT-rich interaction domain 1A; plus strand). Cytogenetic location: 1p36.11.
Variant type: Microsatellite.
Coding change: c.6099GGA[2] on transcript NM_006015.6 (MANE Select); two copies in a row of the 3-base unit GGA starting at c.6099; the reference has three copies in a row; one copy, 3 bases deleted; also written c.6105_6107del.
Protein change: p.Glu2036del; deletes glutamic acid 2036.
Molecular consequence: inframe deletion.
Genome position (GRCh38, 1-based): chr1:26,780,003-26,780,005, GGA deleted; deleting any 3 consecutive bases within chr1:26,779,996-26,780,005 gives the same sequence; the position shown is the placement nearest the transcript's 3' end. VCF-style (leftmost placement, unchanged base first): chr1-26779995-AAGG-A. GRCh37 (hg19) VCF-style: chr1-27106486-AAGG-A.
Other names: c.5448GGA[2], p.Glu1819del (NM_139135.4); c.6105_6107del (NM_006015.6); short protein forms E2036del, E1819del.
Identifiers: ClinVar variation 930845 (VCV000930845.4), dbSNP rs2081176133, ClinGen allele CA1160218286.
Genomic context (GRCh38, chr1:26,779,995, plus strand): 5'-AAGCTGATCCTGCTGCACCACAAGCACCCAGAACGGAAGCAGGCACCACTAACTTATGAA[AAGG>A]AGGAGGAACAGGACCAAGGGGTGAGCTGCAACAAAGTGGAGTGGTGGTGGGACTGCTTGG-3'